The following is an entry in ClinVar:

NM_000245.4(MET):c.3727G>T (p.Ala1243Ser)

Gene: MET (MET proto-oncogene, receptor tyrosine kinase; plus strand). Cytogenetic location: 7q31.2.
Variant type: single nucleotide variant.
Coding change: c.3727G>T on transcript NM_000245.4 (MANE Select); coding-DNA position 3727, G replaced by T.
Protein change: p.Ala1243Ser; replaces alanine 1243 with serine.
Molecular consequence: missense variant.
Genome position (GRCh38, 1-based): chr7:116,783,398, G>T. VCF-style: chr7-116783398-G-T. GRCh37 (hg19) VCF-style: chr7-116423452-G-T.
Other names: c.3781G>T, p.Ala1261Ser (NM_001127500.3); c.2437G>T, p.Ala813Ser (NM_001324402.2); short protein forms A1243S, A1261S, A813S.
Identifiers: ClinVar variation 4843774 (VCV004843774.1).
Genomic context (GRCh38, chr7:116,783,398, plus strand): 5'-TTTGGTCTTGCCAGAGACATGTATGATAAAGAATACTATAGTGTACACAACAAAACAGGT[G>T]CAAAGCTGCCAGTGAAGTGGATGGCTTTGGAAAGTCTGCAAACTCAAAAGTTTACCACCA-3'
Protein context (NP_000236.2, residues 1233-1253): EYYSVHNKTG[Ala1243Ser]KLPVKWMALE

ClinVar aggregate classification (germline): Uncertain significance (1 of 4 stars; one submission).

Conditions:
Hereditary cancer-predisposing syndrome. Also called: Neoplastic Syndromes, Hereditary; Tumor predisposition; Hereditary Cancer Syndrome; Hereditary neoplastic syndrome. Identifiers: Orphanet 140162, MedGen C0027672, MeSH D009386, MONDO:0015356.

Submission:

Ambry Genetics
Classification: Uncertain significance for Hereditary cancer-predisposing syndrome. Last evaluated: 2026-01-13. Review status: criteria provided, single submitter. Criteria: Ambry Variant Classification Scheme 2023. Collection method: clinical testing. Allele origin: germline.
Comment: The p.A1261S variant (also known as c.3781G>T), located in coding exon 18 of the MET gene, results from a G to T substitution at nucleotide position 3781. The alanine at codon 1261 is replaced by serine, an amino acid with similar properties. This amino acid position is conserved. In addition, this alteration is predicted to be tolerated by in silico analysis. Based on the available evidence, the clinical significance of this variant remains unclear.